The following is an entry in ClinVar:

NM_004304.5(ALK):c.820C>A (p.Leu274Met)

Gene: ALK (ALK receptor tyrosine kinase; minus strand). Cytogenetic location: 2p23.2.
Variant type: single nucleotide variant.
Coding change: c.820C>A on transcript NM_004304.5 (MANE Select); coding-DNA position 820, C replaced by A.
Protein change: p.Leu274Met; replaces leucine 274 with methionine.
Molecular consequence: missense variant.
Genome position (GRCh38, 1-based): chr2:29,694,982, G>T on the plus strand (C>A on the coding strand, the complement: ALK is on the minus strand). VCF-style: chr2-29694982-G-T. GRCh37 (hg19) VCF-style: chr2-29917848-G-T.
Other names: c.820C>A (NM_004304.4); short protein forms L274M.
Identifiers: ClinVar variation 1470046 (VCV001470046.9), dbSNP rs2148289980, ClinGen allele CA346587077.

ClinVar aggregate classification (germline): Uncertain significance. Review status: criteria provided, multiple submitters, no conflicts (2 of 4 stars). 2 submissions from 2 submitters: Uncertain significance (2). Last evaluated 2025-04-08.

Conditions:
Hereditary cancer-predisposing syndrome. Also called: Neoplastic Syndromes, Hereditary; Hereditary Cancer Syndrome; Tumor predisposition; Hereditary neoplastic syndrome. Identifiers: Orphanet 140162, MedGen C0027672, MeSH D009386, MONDO:0015356.
Neuroblastoma, susceptibility to, 3. Also called: ALK-Related Neuroblastic Tumor Susceptibility. Identifiers: Orphanet 635, MedGen C2751681, MONDO:0013083, OMIM 613014.

Submissions (2):

Labcorp Genetics (formerly Invitae), Labcorp
Classification: Uncertain significance for Neuroblastoma, susceptibility to, 3. Last evaluated: 2025-04-08. Review status: criteria provided, single submitter. Criteria: Invitae Variant Classification Sherloc (09022015). Collection method: clinical testing. Allele origin: germline.
Comment: This sequence change replaces leucine, which is neutral and non-polar, with methionine, which is neutral and non-polar, at codon 274 of the ALK protein (p.Leu274Met). This variant is not present in population databases (gnomAD no frequency). This variant has not been reported in the literature in individuals affected with ALK-related conditions. ClinVar contains an entry for this variant (Variation ID: 1470046). An algorithm developed to predict the effect of missense changes on protein structure and function (PolyPhen-2) suggests that this variant is likely to be disruptive. In summary, the available evidence is currently insufficient to determine the role of this variant in disease. Therefore, it has been classified as a Variant of Uncertain Significance.

Ambry Genetics
Classification: Uncertain significance for Hereditary cancer-predisposing syndrome. Last evaluated: 2024-01-03. Review status: criteria provided, single submitter. Criteria: Ambry Variant Classification Scheme 2023. Collection method: clinical testing. Allele origin: germline.
Comment: The p.L274M variant (also known as c.820C>A), located in coding exon 3 of the ALK gene, results from a C to A substitution at nucleotide position 820. The leucine at codon 274 is replaced by methionine, an amino acid with highly similar properties. This amino acid position is conserved. In addition, this alteration is predicted to be tolerated by in silico analysis. Since supporting evidence is limited at this time, the clinical significance of this alteration remains unclear.